The following is an entry in ClinVar:

ClinVar aggregate classification (germline): Uncertain significance (1 of 4 stars; one submission).

Submission:

Labcorp Genetics (formerly Invitae), Labcorp
Classification: Uncertain significance. Last evaluated: 2021-05-16. Review status: criteria provided, single submitter. Criteria: Invitae Variant Classification Sherloc (09022015). Collection method: clinical testing. Allele origin: germline.
Comment: In summary, the available evidence is currently insufficient to determine the role of this variant in disease. Therefore, it has been classified as a Variant of Uncertain Significance. Algorithms developed to predict the effect of sequence changes on RNA splicing suggest that this variant may create or strengthen a splice site, but this prediction has not been confirmed by published transcriptional studies. Algorithms developed to predict the effect of missense changes on protein structure and function are either unavailable or do not agree on the potential impact of this missense change (SIFT: "Deleterious"; PolyPhen-2: "Probably Damaging"; Align-GVGD: "Class C0"). This variant has not been reported in the literature in individuals with CHD8-related conditions. This variant is not present in population databases (ExAC no frequency). This sequence change replaces tryptophan with arginine at codon 826 of the CHD8 protein (p.Trp826Arg). The tryptophan residue is highly conserved and there is a moderate physicochemical difference between tryptophan and arginine.

NM_001170629.2(CHD8):c.2476T>A (p.Trp826Arg)

Gene: CHD8 (chromodomain helicase DNA binding protein 8; minus strand). Cytogenetic location: 14q11.2.
Variant type: single nucleotide variant.
Coding change: c.2476T>A on transcript NM_001170629.2 (MANE Select); coding-DNA position 2476, T replaced by A.
Protein change: p.Trp826Arg; replaces tryptophan 826 with arginine.
Molecular consequence: missense variant.
Genome position (GRCh38, 1-based): chr14:21,408,714, A>T on the plus strand (T>A on the coding strand, the complement: CHD8 is on the minus strand). VCF-style: chr14-21408714-A-T. GRCh37 (hg19) VCF-style: chr14-21876873-A-T.
Other names: c.1639T>A, p.Trp547Arg (NM_020920.4); short protein forms W547R, W826R.
Identifiers: ClinVar variation 1353942 (VCV001353942.8), dbSNP rs2139482304, ClinGen allele CA388876095.
Genomic context (GRCh38, chr14:21,408,714, plus strand): 5'-AAATAATCCCAGAACTAAGCTTACATCTTATGGCCCATTCTTTCCTTTACCTGTTATACC[A>T]ATTAAAGAGCAGCCAATTAACCCCTTCCAACTGATATTCCCGTAGCTGGTTTCTGTTTTT-3'
Protein context (NP_001164100.1, residues 816-836): LEGVNWLLFN[Trp826Arg]YNRQNCILAD